The following is an entry in ClinVar:

ClinVar aggregate classification (germline): Uncertain significance (1 of 4 stars; one submission).

Conditions:
Inborn genetic diseases. Identifiers: MedGen C0950123, MeSH D030342.

Allele frequency attached by ClinVar (database versions not stated): gnomAD exomes below 0.00001; ExAC 0.00002; gnomAD 0.00003; TOPMed 0.00003; ESP Exome Variant Server 0.00008.
gnomAD v4.1: 11 of 1,614,046 alleles (0.00068%); highest among the groups gnomAD compares: African/African-American, 0.008%; no homozygotes.

Submission:

Ambry Genetics
Classification: Uncertain significance for Inborn genetic diseases. Last evaluated: 2023-02-03. Review status: criteria provided, single submitter. Criteria: Ambry Variant Classification Scheme 2023. Collection method: clinical testing. Allele origin: germline.
Comment: The p.C621Y variant (also known as c.1862G>A), located in coding exon 12 of the EPAS1 gene, results from a G to A substitution at nucleotide position 1862. The cysteine at codon 621 is replaced by tyrosine, an amino acid with highly dissimilar properties. This amino acid position is conserved. In addition, this alteration is predicted to be tolerated by in silico analysis. Since supporting evidence is limited at this time, the clinical significance of this alteration remains unclear.

NM_001430.5(EPAS1):c.1862G>A (p.Cys621Tyr)

Gene: EPAS1 (endothelial PAS domain protein 1; plus strand). Cytogenetic location: 2p21.
Variant type: single nucleotide variant.
Coding change: c.1862G>A on transcript NM_001430.5 (MANE Select); coding-DNA position 1862, G replaced by A.
Protein change: p.Cys621Tyr; replaces cysteine 621 with tyrosine.
Molecular consequence: missense variant.
Genome position (GRCh38, 1-based): chr2:46,380,534, G>A. VCF-style: chr2-46380534-G-A. GRCh37 (hg19) VCF-style: chr2-46607673-G-A.
Other names: short protein forms C621Y.
Identifiers: ClinVar variation 2456556 (VCV002456556.2), dbSNP rs372877151, ClinGen allele CA1645133.